The following is an entry in ClinVar:

NM_001754.5(RUNX1):c.1391C>G (p.Thr464Ser)

Gene: RUNX1 (RUNX family transcription factor 1; minus strand). Cytogenetic location: 21q22.12.
Variant type: single nucleotide variant.
Coding change: c.1391C>G on transcript NM_001754.5 (MANE Select); coding-DNA position 1391, C replaced by G.
Protein change: p.Thr464Ser; replaces threonine 464 with serine.
Molecular consequence: missense variant.
Genome position (GRCh38, 1-based): chr21:34,792,187, G>C on the plus strand (C>G on the coding strand, the complement: RUNX1 is on the minus strand). VCF-style: chr21-34792187-G-C. GRCh37 (hg19) VCF-style: chr21-36164484-G-C.
Other names: NM_001754.5(RUNX1):c.1391C>G; p.Thr464Ser; c.1310C>G, p.Thr437Ser (NM_001001890.3); short protein forms T464S, T437S.
Identifiers: ClinVar variation 4158200 (VCV004158200.3).
Genomic context (GRCh38, chr21:34,792,187, plus strand): 5'-CTGGCGCCTCAGTAGGGCCTCCACACGGCCTCCTCCAGGCGCGCGGAGGGCGCCATGTTG[G>C]TGGGGGAGTTGCTGTGGCTGCCCTCGGCCTCCACCACGTCGCTCTGGTTCGGGAGGCTGG-3'
Protein context (NP_001745.2, residues 454-474): EAEGSHSNSP[Thr464Ser]NMAPSARLEE

ClinVar aggregate classification (germline): Uncertain significance. Review status: reviewed by expert panel (3 of 4 stars). 3 submissions from 3 submitters: Uncertain significance (1). 2 of the submissions do not count toward it. Last evaluated 2026-05-27.

Conditions:
RUNX1-related disorder. Also called: RUNX1-related condition.
Inborn genetic diseases. Identifiers: MedGen C0950123, MeSH D030342.
Hereditary thrombocytopenia and hematologic cancer predisposition syndrome. Identifiers: Orphanet 71290, MedGen CN281654, MONDO:0011071.

Submissions (3):

ClinGen Myeloid Malignancy Variant Curation Expert Panel
Classification: Uncertain significance for Hereditary thrombocytopenia and hematologic cancer predisposition syndrome. Last evaluated: 2026-05-27. Review status: reviewed by expert panel. Criteria: ClinGen MyeloMalig ACMG Specifications V3.1. Collection method: curation. Allele origin: germline. Inheritance: Autosomal dominant inheritance.
Comment: NM_001754.5:c.1391C>G (p.Thr464Ser) is a missense variant which is completely absent from all population databases with at least 20× coverage for RUNX1 (PM2_Supporting) and has a REVEL score < 0.50 (0.304)(BP4). In summary, the clinical significance of this variant is uncertain. ACMG/AMP criteria applied, as specified by the Myeloid Malignancy Variant Curation Expert Panel for RUNX1: PM2_Supporting, BP4.

PreventionGenetics, part of Exact Sciences
Classification: Uncertain significance for RUNX1-related condition. Last evaluated: 2026-06-04. Review status: criteria provided, single submitter. Criteria: ACMG Guidelines, 2015. Collection method: clinical testing. Allele origin: germline. Not counted in ClinVar's aggregate classification.
Comment: The RUNX1 c.1391C>G variant is predicted to result in the amino acid substitution p.Thr464Ser. To our knowledge, this variant has not been reported in the literature or in a large population database (gnomAD), indicating this variant is rare. At this time, the clinical significance of this variant is uncertain due to the absence of conclusive functional and genetic evidence.

Ambry Genetics
Classification: Uncertain significance for Inborn genetic diseases. Last evaluated: 2025-07-10. Review status: criteria provided, single submitter. Criteria: Ambry Variant Classification Scheme 2023. Collection method: clinical testing. Allele origin: germline. Not counted in ClinVar's aggregate classification.
Comment: The p.T464S variant (also known as c.1391C>G), located in coding exon 8 of the RUNX1 gene, results from a C to G substitution at nucleotide position 1391. The threonine at codon 464 is replaced by serine, an amino acid with similar properties. This amino acid position is conserved. In addition, this alteration is predicted to be tolerated by in silico analysis. Based on the available evidence, the clinical significance of this variant remains unclear.